The following is an entry in ClinVar:

NM_017433.5(MYO3A):c.4424A>T (p.Gln1475Leu)

Gene: MYO3A (myosin IIIA; plus strand). Cytogenetic location: 10p12.1.
Variant type: single nucleotide variant.
Coding change: c.4424A>T on transcript NM_017433.5 (MANE Select); coding-DNA position 4424, A replaced by T.
Protein change: p.Gln1475Leu; replaces glutamine 1475 with leucine.
Molecular consequence: missense variant.
Genome position (GRCh38, 1-based): chr10:26,176,831, A>T. VCF-style: chr10-26176831-A-T. GRCh37 (hg19) VCF-style: chr10-26465760-A-T.
Other names: short protein forms Q1475L.
Identifiers: ClinVar variation 3650883 (VCV003650883.2).

ClinVar aggregate classification (germline): Uncertain significance (1 of 4 stars; one submission).

gnomAD v4.1: 2 of 1,614,212 alleles (0.00012%); highest among the groups gnomAD compares: Non-Finnish European, 0.00017%; no homozygotes.

Submission:

Labcorp Genetics (formerly Invitae), Labcorp
Classification: Uncertain significance. Last evaluated: 2024-04-26. Review status: criteria provided, single submitter. Criteria: Invitae Variant Classification Sherloc (09022015). Collection method: clinical testing. Allele origin: germline.
Comment: This sequence change replaces glutamine, which is neutral and polar, with leucine, which is neutral and non-polar, at codon 1475 of the MYO3A protein (p.Gln1475Leu). This variant is present in population databases (rs751748359, gnomAD 0.0009%). This variant has not been reported in the literature in individuals affected with MYO3A-related conditions. An algorithm developed to predict the effect of missense changes on protein structure and function (PolyPhen-2) suggests that this variant is likely to be tolerated. In summary, the available evidence is currently insufficient to determine the role of this variant in disease. Therefore, it has been classified as a Variant of Uncertain Significance.